The following is an entry in ClinVar:

ClinVar aggregate classification (germline): Uncertain significance (1 of 4 stars; one submission).

Conditions:
Hereditary cancer-predisposing syndrome. Also called: Tumor predisposition; Neoplastic Syndromes, Hereditary; Hereditary Cancer Syndrome; Hereditary neoplastic syndrome. Identifiers: Orphanet 140162, MedGen C0027672, MeSH D009386, MONDO:0015356.

Submission:

Ambry Genetics
Classification: Uncertain significance for Hereditary cancer-predisposing syndrome. Last evaluated: 2024-08-14. Review status: criteria provided, single submitter. Criteria: Ambry Variant Classification Scheme 2023. Collection method: clinical testing. Allele origin: germline.
Comment: The p.H520L variant (also known as c.1559A>T), located in coding exon 14 of the FANCC gene, results from an A to T substitution at nucleotide position 1559. The histidine at codon 520 is replaced by leucine, an amino acid with similar properties. This amino acid position is conserved. In addition, this alteration is predicted to be tolerated by in silico analysis. Based on the available evidence, the clinical significance of this variant remains unclear.

NM_000136.3(FANCC):c.1559A>T (p.His520Leu)

Genes: FANCC (FA complementation group C; minus strand), AOPEP (aminopeptidase O (putative); plus strand). Cytogenetic location: 9q22.32.
Variant type: single nucleotide variant.
Coding change: c.1559A>T on transcript NM_000136.3 (MANE Select); coding-DNA position 1559, A replaced by T.
Protein change: p.His520Leu; replaces histidine 520 with leucine.
Molecular consequence: missense variant.
Genome position (GRCh38, 1-based): chr9:95,101,825, T>A on the plus strand (A>T on the coding strand, the complement: FANCC is on the minus strand). VCF-style: chr9-95101825-T-A. GRCh37 (hg19) VCF-style: chr9-97864107-T-A.
Other names: c.1559A>T, p.His520Leu (NM_001243743.2); short protein forms H520L.
Identifiers: ClinVar variation 3512773 (VCV003512773.1).
Genomic context (GRCh38, chr9:95,101,825, plus strand): 5'-CTTTCAATGCCAAGACGATTCCATCTGTACAAGGTCTGGTCAAGAAAGCCAATGATCTCG[T>A]GAGTTATCTCAGCAGTGTGAGCCATCTGCAATCAGGACAGAAGAGAAGGCAAATTAAAAC-3'
Protein context (NP_000127.2, residues 510-530): TLMAHTAEIT[His520Leu]EIIGFLDQTL